The following is an entry in ClinVar:

ClinVar aggregate classification (germline): Pathogenic/Likely pathogenic. Review status: criteria provided, multiple submitters, no conflicts (2 of 4 stars). 11 submissions from 11 submitters: Pathogenic (6); Likely pathogenic (4). 1 of the submissions does not count toward it. Last evaluated 2026-01-05.

Conditions:
Hereditary cancer-predisposing syndrome. Also called: Neoplastic Syndromes, Hereditary; Tumor predisposition; Hereditary Cancer Syndrome; Hereditary neoplastic syndrome. Identifiers: Orphanet 140162, MedGen C0027672, MeSH D009386, MONDO:0015356.
Gastric cancer. Also called: Stomach cancer; Malignant tumor of stomach. Identifiers: MedGen C0024623, MeSH D013274, MONDO:0001056, OMIM 613659, HP:0012126.
Fanconi anemia complementation group O. Also called: RAD51C-Related Fanconi Anemia. Identifiers: Orphanet 84, MedGen C3150653, MONDO:0013248, OMIM 613390.
Breast-ovarian cancer, familial, susceptibility to, 3. Also called: RAD51C-Related Breast/Ovarian Cancer. Identifiers: Orphanet 145, MedGen C3150659, MONDO:0013253, OMIM 613399.
Hereditary breast ovarian cancer syndrome. Also called: Hereditary breast and ovarian cancer syndrome; Hereditary breast and ovarian cancer; Hereditary breast and ovarian cancer syndrome (HBOC); Breast and ovarian cancer; Hereditary breast and/or ovarian cancer syndrome; BRCA1- and BRCA2-Associated Hereditary Breast and Ovarian Cancer. Identifiers: Orphanet 145, MedGen C0677776, MeSH D061325, MONDO:0003582. Disease mechanism: loss of function.

Allele frequency attached by ClinVar (database versions not stated): TOPMed below 0.00001; gnomAD 0.00001; gnomAD exomes 0.00001; ExAC 0.00002.
gnomAD v4.1: 3 of 1,611,446 alleles (0.00019%); highest among the groups gnomAD compares: East Asian, 0.0067%; no homozygotes.

Submissions (11):

Labcorp Genetics (formerly Invitae), Labcorp
Classification: Pathogenic for Fanconi anemia complementation group O. Last evaluated: 2026-01-05. Review status: criteria provided, single submitter. Criteria: Invitae Variant Classification Sherloc (09022015). Collection method: clinical testing. Allele origin: germline.
Comment: This sequence change affects an acceptor splice site in intron 6 of the RAD51C gene. RNA analysis indicates that disruption of this splice site induces altered splicing and likely disrupts the C-terminus of the protein. This variant is present in population databases (rs779582317, gnomAD 0.02%). Disruption of this splice site has been observed in individual(s) with breast cancer (PMID: 26824983). ClinVar contains an entry for this variant (Variation ID: 216132). Studies have shown that disruption of this splice site results in skipping of exon 7 and introduces a new termination codon (PMID: 33333735; internal data). However the mRNA is not expected to undergo nonsense-mediated decay. For these reasons, this variant has been classified as Pathogenic.

Ambry Genetics
Classification: Likely pathogenic for Hereditary cancer-predisposing syndrome. Last evaluated: 2025-08-05. Review status: criteria provided, single submitter. Criteria: Ambry Variant Classification Scheme 2023. Collection method: clinical testing. Allele origin: germline.
Comment: The c.905-2A>C intronic variant results from an A to C substitution two nucleotides upstream from coding exon 7 in the RAD51C gene. This variant has been reported in the literature in individuals suspected to be affected with hereditary breast or ovarian cancer (Lin PH et al. Oncotarget, 2016 Feb;7:8310-20, Norquist BM et al. JAMA Oncol, 2016 Apr;2:482-90, Chan GHJ et al. Oncotarget, 2018 Jul;9:30649-30660, Wang YA et al. BMC Cancer, 2018 03;18:315, Ow SGW et al. PLoS One, 2019 Mar;14:e0213746, Manchana T et al. World J Clin Oncol, 2019 Nov;10:358-368; Kansuttiviwat C et al. NPJ Genom Med, 2024 Feb;9:9). Another study reported the alteration in 6/60,466 breast cancer cases and in 1/53,461 controls (Dorling et al. N Engl J Med. 2021 02;384:428-439). This nucleotide position is highly conserved in available vertebrate species. In silico splice site analysis predicts that this alteration may weaken the native splice acceptor site. In concordance, this variant was reported to result in skipping of exon 7 in a mini-gene RT-PCR assay (Sanoguera-Miralles L et al. Cancers (Basel), 2020 Dec;12:). Alterations that disrupt the canonical splice site are expected to cause aberrant splicing, resulting in an abnormal protein or a transcript that is subject to nonsense-mediated mRNA decay. Based on the majority of available evidence to date, this variant is likely to be pathogenic.

Women's Health and Genetics/Laboratory Corporation of America, LabCorp
Classification: Pathogenic for Hereditary breast ovarian cancer syndrome. Last evaluated: 2025-04-21. Review status: criteria provided, single submitter. Criteria: LabCorp Variant Classification Summary - May 2015. Collection method: clinical testing. Allele origin: germline.
Comment: Variant summary: RAD51C c.905-2A>C is located in a canonical splice-site and is predicted to affect mRNA splicing resulting in a significantly altered protein due to either exon skipping, shortening, or inclusion of intronic material. Variants that disrupt the consensus splice site are a relatively common cause of aberrant splicing and loss of RAD51C function. Several computational tools predict a significant impact on normal splicing: Four predict the variant abolishes a 3 acceptor site. At least one publication reports experimental evidence that this variant affects mRNA splicing, resulting in skipping of exon 7 (Sanoguera-Miralles_2020). The variant allele was found at a frequency of 1.2e-05 in 251338 control chromosomes. c.905-2A>C has been reported in the literature in individuals affected with Hereditary Breast and Ovarian Cancer (e.g. Han Lin_2016, Norquist_2016, Wang_2018). These data indicate that the variant may be associated with disease. The following publications have been ascertained in the context of this evaluation (PMID: 22725699, 26824983, 26720728, 33333735, 29566657). ClinVar contains an entry for this variant (Variation ID: 216132). Based on the evidence outlined above, the variant was classified as pathogenic.

Color Diagnostics, LLC DBA Color Health
Classification: Likely pathogenic for Hereditary cancer-predisposing syndrome. Last evaluated: 2024-08-19. Review status: criteria provided, single submitter. Criteria: ACMG Guidelines, 2015. Collection method: clinical testing. Allele origin: germline.
Comment: This variant causes an A to C nucleotide substitution at the -2 position of intron 6 of the RAD51C gene. Splice site prediction tools predict that this variant may have a significant impact on RNA splicing. RNA studies have shown that this variant causes the skipping of exon 7 (PMID: 33333735) and is expected to result in an absent or disrupted protein product. This variant has been reported in individuals affected with ovarian cancer (PMID: 26720728, 30093976, 30875412, 31815095), breast cancer (PMID: 26824983, 29566657, 33471991; DOI: 10.21203/rs.3.rs-122156/v1, 10.21203/rs.3.rs-3357567/v1), and colorectal cancer (PMID: 33563768, 35014770). In a large international case-control study, this variant was reported in 6/60466 breast cancer cases and 1/53461 controls (OR=5.305, 95%CI 0.639 to 44.07, p-value=0.13; PMID: 33471991). This variant has been identified in 4/282730 chromosomes in the general population by the Genome Aggregation Database (gnomAD). A different variant affecting the same splice acceptor site, c.905-2A>G, is known to be disease-causing (ClinVar Variation ID: 245991). Loss of RAD51C function is a known mechanism of disease. Based on the available evidence, this variant is classified as Likely Pathogenic.

CeGaT Center for Human Genetics Tuebingen
Classification: Pathogenic. Last evaluated: 2024-03-01. Review status: criteria provided, single submitter. Criteria: CeGaT Center For Human Genetics Tuebingen Variant Classification Criteria Version 2. Collection method: clinical testing. Allele origin: germline. Affected: yes. Observed: 1 variant allele.
Comment: RAD51C: PVS1, PM2

Myriad Genetics, Inc.
Classification: Likely pathogenic for Breast-ovarian cancer, familial, susceptibility to, 3. Last evaluated: 2024-01-03. Review status: criteria provided, single submitter. Criteria: Myriad Autosomal Dominant, Autosomal Recessive and X-Linked Classification Criteria (2023). Collection method: clinical testing. Allele origin: unknown.
Comment: This variant is considered likely pathogenic. This variant occurs within a consensus splice junction and is predicted to result in abnormal mRNA splicing of either an out-of-frame exon or an in-frame exon necessary for protein stability and/or normal function.

GeneDx
Classification: Pathogenic. Last evaluated: 2023-09-28. Review status: criteria provided, single submitter. Criteria: GeneDx Variant Classification Process June 2021. Collection method: clinical testing. Allele origin: germline. Affected: yes.
Comment: Canonical splice site variant demonstrated to result in aberrant splicing in a gene for which loss of function is a known mechanism of disease (Sanoguera-Miralles et al., 2020); Not observed at significant frequency in large population cohorts (gnomAD); This variant is associated with the following publications: (PMID: 29566657, 32980694, 29922827, 26824983, 26720728, 28188963, 22725699, 30093976, 31815095, 30875412, 24800917, 33333735, 36243179, 36988593, 21990120, 35014770, 16199547, 33649982, 35740625, 33471991, 20400964, 35070981, 31159747)

Baylor Genetics
Classification: Pathogenic for Breast-ovarian cancer, familial, susceptibility to, 3. Last evaluated: 2023-09-05. Review status: criteria provided, single submitter. Criteria: ACMG Guidelines, 2015. Collection method: clinical testing. Allele origin: unknown.

Department of Pathology and Laboratory Medicine, Sinai Health System
Classification: Likely pathogenic for Breast-ovarian cancer, familial, susceptibility to, 3. Last evaluated: 2023-05-16. Review status: criteria provided, single submitter. Criteria: ACMG Guidelines, 2015. Collection method: clinical testing. Allele origin: germline. Affected: yes.

Juno Genomics, Hangzhou Juno Genomics, Inc
Classification: Pathogenic for Breast-ovarian cancer, familial, susceptibility to, 3; Fanconi anemia complementation group O. Review status: criteria provided, single submitter. Criteria: ACMG Guidelines, 2015. Collection method: clinical testing. Allele origin: germline.
Comment: Absent from controls (or at extremely low frequency if recessive) in Genome Aggregation Database.;Null variant in a gene where loss of function (LOF) is a known mechanism of disease.;The prevalence of the variant in affected individuals is significantly increased compared to the prevalence in controls.

Laboratory for Genotyping Development, RIKEN
Classification: Pathogenic for Gastric cancer. Last evaluated: 2021-07-01. Review status: no assertion criteria provided. Collection method: research. Allele origin: germline. Not counted in ClinVar's aggregate classification.

Literature cited by the submitters: PubMed 26824983 (cited by 5 submitters); PubMed 33333735 (cited by 5 submitters); PubMed 22725699 (cited by Ambry Genetics and Women's Health and Genetics/Laboratory Corporation of America, LabCorp); PubMed 26720728 (cited by 3 submitters); PubMed 29566657 (cited by 3 submitters); PubMed 30093976 (cited by Ambry Genetics and Color Diagnostics, LLC DBA Color Health); PubMed 30875412 (cited by Ambry Genetics and Color Diagnostics, LLC DBA Color Health); PubMed 31815095 (cited by Ambry Genetics and Color Diagnostics, LLC DBA Color Health); PubMed 33471991 (cited by 3 submitters); PubMed 38355628 (cited by Ambry Genetics); PubMed 33563768 (cited by Color Diagnostics, LLC DBA Color Health); PubMed 35014770 (cited by Color Diagnostics, LLC DBA Color Health); PubMed 36988593 (cited by Laboratory for Genotyping Development, RIKEN).

NM_058216.3(RAD51C):c.905-2A>C

Gene: RAD51C (RAD51 paralog C; plus strand). Cytogenetic location: 17q22.
Variant type: single nucleotide variant.
Coding change: c.905-2A>C on transcript NM_058216.3 (MANE Select); the canonical splice acceptor site of the intron before coding-DNA position 905, A replaced by C.
Molecular consequence: splice acceptor variant.
Genome position (GRCh38, 1-based): chr17:58,724,038, A>C. VCF-style: chr17-58724038-A-C. GRCh37 (hg19) VCF-style: chr17-56801399-A-C.
Identifiers: ClinVar variation 216132 (VCV000216132.63), dbSNP rs779582317, ClinGen allele CA338869.